The following is an entry in ClinVar:

NM_018238.4(AGK):c.672C>A (p.Tyr224Ter)

Gene: AGK (acylglycerol kinase; plus strand). Cytogenetic location: 7q34.
Variant type: single nucleotide variant.
Coding change: c.672C>A on transcript NM_018238.4 (MANE Select); coding-DNA position 672, C replaced by A.
Protein change: p.Tyr224Ter; replaces tyrosine 224 with a stop codon.
Molecular consequence: nonsense.
Genome position (GRCh38, 1-based): chr7:141,636,963, C>A. VCF-style: chr7-141636963-C-A. GRCh37 (hg19) VCF-style: chr7-141336763-C-A.
Other names: c.672C>A, p.Tyr224Ter (NM_001364948.3); c.672C>A (NM_018238.3); short protein forms Y224*.
Identifiers: ClinVar variation 871496 (VCV000871496.47), dbSNP rs771945804, ClinGen allele CA4517542.

ClinVar aggregate classification (germline): Pathogenic. Review status: criteria provided, multiple submitters, no conflicts (2 of 4 stars). 5 submissions from 5 submitters: Pathogenic (5). Last evaluated 2026-03-31.

Conditions:
Sengers syndrome. Also called: MITOCHONDRIAL DNA DEPLETION SYNDROME 10 (CARDIOMYOPATHIC TYPE); Cardiomyopathy and cataract. Identifiers: Orphanet 1369, MedGen C1859317, MONDO:0008922, OMIM 212350.
Cataract 38. Also called: Cataract, autosomal recessive congenital 5; Cataract 38, autosomal recessive. Identifiers: Orphanet 91492, MedGen C3553494, MONDO:0013859, OMIM 614691.
AGK-related disorder. Also called: AGK-related condition; AGK-related disorders. Identifiers: MedGen CN239194.

Allele frequency attached by ClinVar (database versions not stated): ExAC 0.00002; gnomAD exomes 0.00002; TOPMed 0.00002.
gnomAD v4.1: 13 of 1,611,906 alleles (0.00081%); highest among the groups gnomAD compares: Admixed American, 0.0017%; no homozygotes.

Submissions (5):

PreventionGenetics, part of Exact Sciences
Classification: Pathogenic for AGK-related condition. Last evaluated: 2026-03-31. Review status: criteria provided, single submitter. Criteria: ACMG Guidelines, 2015. Collection method: clinical testing. Allele origin: germline.
Comment: The AGK c.672C>A variant is predicted to result in premature protein termination (p.Tyr224*). This variant has been reported along with a second variant in this gene in an individual with Sengers syndrome (Mayr et al. 2012. PubMed ID: 22284826). This variant is reported in 0.0047% of alleles in individuals of European (Non-Finnish) descent in gnomAD. Nonsense variants in AGK are expected to be pathogenic. This variant is interpreted as pathogenic.

GeneDx
Classification: Pathogenic. Last evaluated: 2023-12-29. Review status: criteria provided, single submitter. Criteria: GeneDx Variant Classification Process June 2021. Collection method: clinical testing. Allele origin: germline. Affected: yes.
Comment: Nonsense variant predicted to result in protein truncation or nonsense mediated decay in a gene for which loss of function is a known mechanism of disease; Not observed at significant frequency in large population cohorts (gnomAD); This variant is associated with the following publications: (PMID: 34356047, 25208612, 33314127, 22284826)

Labcorp Genetics (formerly Invitae), Labcorp
Classification: Pathogenic for Sengers syndrome; Cataract 38. Last evaluated: 2023-11-24. Review status: criteria provided, single submitter. Criteria: Invitae Variant Classification Sherloc (09022015). Collection method: clinical testing. Allele origin: germline.
Comment: This sequence change creates a premature translational stop signal (p.Tyr224*) in the AGK gene. It is expected to result in an absent or disrupted protein product. Loss-of-function variants in AGK are known to be pathogenic (PMID: 22284826). This variant is present in population databases (rs771945804, gnomAD 0.005%). This premature translational stop signal has been observed in individual(s) with Senger syndrome (PMID: 22284826, 28868593). ClinVar contains an entry for this variant (Variation ID: 871496). For these reasons, this variant has been classified as Pathogenic.

Victorian Clinical Genetics Services, Murdoch Childrens Research Institute
Classification: Pathogenic for Sengers syndrome. Last evaluated: 2020-06-11. Review status: criteria provided, single submitter. Criteria: ACMG Guidelines, 2015. Collection method: clinical testing. Allele origin: germline. Inheritance: Autosomal recessive inheritance.
Comment: Based on the classification scheme VCGS_Germline_v1.1.1, this variant is classified as Pathogenic. Following criteria are met: 0102 - Loss-of-function is a known mechanism of disease for this gene. (N) 0106 - This gene is known to be associated with autosomal recessive disease. (N) 0201 - Variant is predicted to cause nonsense-mediated decay (NMD) and loss of protein (exon 11 of 16). (P) 0251 - Variant is heterozygous. (N) 0304 - Variant is present in gnomAD <0.01 for a recessive condition (7 heterozygotes, 0 homozygotes). (P) 0701 - Comparable variants have very strong previous evidence for pathogenicity. Other variants predicted to cause NMD have been reported as pathogenic in individuals with Sengers syndrome (ClinVar, PMID: 25208612) (P) 0803 - Low previous evidence of pathogenicity in unrelated individuals. The variant has been previously reported in patients with Sengers syndrome (ClinVar, PMID: 22284826). (P) 1201 - Heterozygous variant detected in trans with a second (at least likely) pathogenic heterozygous variant in a recessive disease. (N) Legend: (P) - Pathogenic, (N) - Neutral, (B) - Benign

CeGaT Center for Human Genetics Tuebingen
Classification: Pathogenic. Last evaluated: 2018-11-01. Review status: criteria provided, single submitter. Criteria: CeGaT Center For Human Genetics Tuebingen Variant Classification Criteria Version 2. Collection method: clinical testing. Allele origin: germline. Affected: yes. Observed: 1 variant allele.

Literature cited by the submitters: PubMed 22284826 (cited by Labcorp Genetics (formerly Invitae), Labcorp and Victorian Clinical Genetics Services, Murdoch Childrens Research Institute); PubMed 28868593 (cited by Labcorp Genetics (formerly Invitae), Labcorp); PubMed 25208612 (cited by Victorian Clinical Genetics Services, Murdoch Childrens Research Institute).